The following is an entry in ClinVar:

ClinVar aggregate classification (germline): Uncertain significance (1 of 4 stars; one submission).

Conditions:
Ehlers-Danlos syndrome, musculocontractural type 2 (EDSMC2). Identifiers: Orphanet 2953, MedGen C3809845, MONDO:0014236, OMIM 615539.

Allele frequency attached by ClinVar (database versions not stated): gnomAD exomes below 0.00001.
gnomAD v4.1: 1 of 1,613,888 alleles (0.000062%); highest among the groups gnomAD compares: Admixed American, 0.0017%; no homozygotes.

Submission:

Labcorp Genetics (formerly Invitae), Labcorp
Classification: Uncertain significance for Ehlers-Danlos syndrome, musculocontractural type 2. Last evaluated: 2025-12-08. Review status: criteria provided, single submitter. Criteria: Invitae Variant Classification Sherloc (09022015). Collection method: clinical testing. Allele origin: germline.
Comment: This sequence change replaces glycine, which is neutral and non-polar, with valine, which is neutral and non-polar, at codon 216 of the DSE protein (p.Gly216Val). This variant is present in population databases (no rsID available, gnomAD 0.003%). This variant has not been reported in the literature in individuals affected with DSE-related conditions. ClinVar contains an entry for this variant (Variation ID: 2035090). Invitae Evidence Modeling of protein sequence and biophysical properties (such as structural, functional, and spatial information, amino acid conservation, physicochemical variation, residue mobility, and thermodynamic stability) has been performed for this missense variant. However, the output from this modeling did not meet the statistical confidence thresholds required to predict the impact of this variant on DSE protein function. Algorithms developed to predict the effect of sequence changes on RNA splicing suggest that this variant may disrupt the consensus splice site. In summary, the available evidence is currently insufficient to determine the role of this variant in disease. Therefore, it has been classified as a Variant of Uncertain Significance.

NM_013352.4(DSE):c.647G>T (p.Gly216Val)

Gene: DSE (dermatan sulfate epimerase; plus strand). Cytogenetic location: 6q22.1.
Variant type: single nucleotide variant.
Coding change: c.647G>T on transcript NM_013352.4 (MANE Select); coding-DNA position 647, G replaced by T.
Protein change: p.Gly216Val; replaces glycine 216 with valine.
Molecular consequence: missense variant. On other transcripts: 5 prime UTR variant (1), synonymous variant (1), non-coding transcript variant (1).
Genome position (GRCh38, 1-based): chr6:116,426,804, G>T. VCF-style: chr6-116426804-G-T. GRCh37 (hg19) VCF-style: chr6-116747967-G-T.
Other names: c.647G>T, p.Gly216Val (NM_001080976.3, NM_001322937.2, NM_001322938.2 and 3 more transcripts); c.704G>T, p.Gly235Val (NM_001322939.2); c.86G>T, p.Gly29Val (NM_001322940.2, NM_001322941.2); c.-254G>T (NM_001374520.1); c.60G>T, p.Gly20= (NM_001374521.1); short protein forms G29V, G216V, G235V.
Identifiers: ClinVar variation 2035090 (VCV002035090.4), dbSNP rs989140636, ClinGen allele CA145879655.
Genomic context (GRCh38, chr6:116,426,804, plus strand): 5'-GATGGGGATTTCAATACCTGCACAATCATCAGCCCACCAACTGTATGGCTTTGCTCACGG[G>T]AAGCCTAGTCCTGATGAATCAAGGTGGGTGTGGACACAGCCAAGGTGATGCCTGAGCTGA-3'
Protein context (NP_037484.1, residues 206-226): QPTNCMALLT[Gly216Val]SLVLMNQGYL